The following is an entry in ClinVar:

ClinVar aggregate classification (germline): Likely pathogenic (1 of 4 stars; one submission).

Conditions:
Bifunctional peroxisomal enzyme deficiency (DBIF). Also called: DBP DEFICIENCY; PBFE DEFICIENCY; D-bifunctional protein deficiency. Identifiers: Orphanet 300, MedGen C0342870, MONDO:0009855, OMIM 261515. Disease mechanism: loss of function.

Submission:

Myriad Genetics, Inc.
Classification: Likely pathogenic for Bifunctional peroxisomal enzyme deficiency. Last evaluated: 2022-01-02. Review status: criteria provided, single submitter. Criteria: Myriad Autosomal Dominant, Autosomal Recessive and X-Linked Classification Criteria (2023). Collection method: clinical testing. Allele origin: unknown.
Comment: NM_000414.3(HSD17B4):c.1328_1329delTG(M443Rfs*7) is expected to be pathogenic in the context of HSD17B4-related disorders. This variant is predicted to lead to an abnormal or absent protein product due to the creation of a premature termination codon in HSD17B4, a gene where loss-of-function variants are known to be pathogenic. Please note: this variant was assessed in the context of healthy population screening.

NM_000414.4(HSD17B4):c.1328_1329del (p.Met443fs)

Gene: HSD17B4 (hydroxysteroid 17-beta dehydrogenase 4; plus strand). Cytogenetic location: 5q23.1.
Variant type: Deletion.
Coding change: c.1328_1329del on transcript NM_000414.4 (MANE Select); coding-DNA positions 1328 to 1329, 2 bases deleted (TG; older notation c.1328_1329delTG).
Protein change: p.Met443fs; shifts the reading frame from methionine 443.
Molecular consequence: frameshift variant. On other transcripts: non-coding transcript variant (2), intron variant (1).
Genome position (GRCh38, 1-based): chr5:119,506,884-119,506,885, TG deleted. VCF-style (leftmost placement, unchanged base first): chr5-119506883-ATG-A. GRCh37 (hg19) VCF-style: chr5-118842578-ATG-A.
Other names: c.1403_1404del, p.Met468fs (NM_001199291.3); c.1274_1275del, p.Met425fs (NM_001199292.2); c.1256_1257del, p.Met419fs (NM_001292027.2); c.908_909del, p.Met303fs (NM_001292028.2); c.1319_1320del, p.Met440fs (NM_001374497.1); c.1001_1002del, p.Met334fs (NM_001374499.1); c.887_888del, p.Met296fs (NM_001374500.1); c.917_918del, p.Met306fs (NM_001374501.1, NM_001374502.1, NM_001374503.1); and 1 more; short protein forms M296fs, M303fs, M306fs, M334fs, M419fs, M425fs, M440fs, M443fs.
Identifiers: ClinVar variation 1726965 (VCV001726965.3), dbSNP rs2531790065, ClinGen allele CA2580072388.